The following is an entry in ClinVar:

NM_138576.4(BCL11B):c.1311G>C (p.Lys437Asn)

Gene: BCL11B (BCL11 transcription factor B; minus strand). Cytogenetic location: 14q32.2.
Variant type: single nucleotide variant.
Coding change: c.1311G>C on transcript NM_138576.4 (MANE Select); coding-DNA position 1311, G replaced by C.
Protein change: p.Lys437Asn; replaces lysine 437 with asparagine.
Molecular consequence: missense variant.
Genome position (GRCh38, 1-based): chr14:99,175,525, C>G on the plus strand (G>C on the coding strand, the complement: BCL11B is on the minus strand). VCF-style: chr14-99175525-C-G. GRCh37 (hg19) VCF-style: chr14-99641862-C-G.
Other names: c.1308G>C, p.Lys436Asn (NM_001282237.2); c.1095G>C, p.Lys365Asn (NM_001282238.2); c.1098G>C, p.Lys366Asn (NM_022898.3); short protein forms K365N, K366N, K436N, K437N.
Identifiers: ClinVar variation 3390493 (VCV003390493.2).

ClinVar aggregate classification (germline): Uncertain significance (1 of 4 stars; one submission).

gnomAD v4.1: 1 of 1,607,174 alleles (0.000062%); highest among the groups gnomAD compares: Non-Finnish European, 0.000085%; no homozygotes.

Submission:

GeneDx
Classification: Uncertain significance. Last evaluated: 2025-11-30. Review status: criteria provided, single submitter. Criteria: GeneDx Variant Classification Process June 2021. Collection method: clinical testing. Allele origin: germline.
Comment: Not observed at significant frequency in large population cohorts (gnomAD); In silico analysis supports that this missense variant has a deleterious effect on protein structure/function; Has not been previously published as pathogenic or benign to our knowledge